The following is an entry in ClinVar:

NM_001267550.2(TTN):c.62755T>C (p.Leu20919=)

Genes: TTN (titin; minus strand), TTN-AS1 (TTN antisense RNA 1; plus strand). Cytogenetic location: 2q31.2.
Variant type: single nucleotide variant.
Coding change: c.62755T>C on transcript NM_001267550.2 (MANE Select); coding-DNA position 62755, T replaced by C.
Protein change: p.Leu20919=; no amino-acid change (leucine 20919 retained).
Molecular consequence: synonymous variant.
Genome position (GRCh38, 1-based): chr2:178,588,970, A>G on the plus strand (T>C on the coding strand, the complement: TTN is on the minus strand). VCF-style: chr2-178588970-A-G. GRCh37 (hg19) VCF-style: chr2-179453697-A-G.
Other names: c.57832T>C, p.Leu19278= (NM_001256850.1); c.35560T>C, p.Leu11854= (NM_003319.4); c.55051T>C, p.Leu18351= (NM_133378.4); c.35935T>C, p.Leu11979= (NM_133432.3); c.36136T>C, p.Leu12046= (NM_133437.4).
Identifiers: ClinVar variation 191928 (VCV000191928.1), dbSNP rs786205388, ClinGen allele CA237894.
Genomic context (GRCh38, chr2:178,588,970, plus strand): 5'-GGACTCTGAAAATATATTCATTTCCTTCTATGAGACGTGTTACTGTAGTACCAGGTGTCA[A>G]GACAGTAGCAGAATAGGTAGACCAAACCATTCGCTTTGTCTCACATTTTTCTAGAATATA-3'
Protein context (NP_001254479.2, residues 20909-20929): MVWSTYSATV[Leu20919=]TPGTTVTRLI

ClinVar aggregate classification (germline): Uncertain significance (1 of 4 stars; one submission).

Allele frequency attached by ClinVar (database versions not stated): gnomAD exomes below 0.00001; TOPMed 0.00001.
gnomAD v4.1: 1 of 1,612,416 alleles (0.000062%); highest among the groups gnomAD compares: Non-Finnish European, 0.000085%; no homozygotes.

Submission:

Biesecker Lab/Clinical Genomics Section, National Institutes of Health
Classification: Uncertain significance. Last evaluated: 2013-06-24. Review status: criteria provided, single submitter. Criteria: Ng et al. (Circ Cardiovasc Genet. 2013). Collection method: research. Allele origin: unknown. Observed: 1 variant allele. Study: ClinSeq.
Comment: The study set was not selected for affection status in relation to any cancer. Pathogenicity categories were based on literature curation. See Pubmed ID:23861362 for details.

Medical sequencing